The following is an entry in ClinVar:

NM_000179.3(MSH6):c.1942A>T (p.Ser648Cys)

Gene: MSH6 (mutS homolog 6; plus strand). Cytogenetic location: 2p16.3.
Variant type: single nucleotide variant.
Coding change: c.1942A>T on transcript NM_000179.3 (MANE Select); coding-DNA position 1942, A replaced by T.
Protein change: p.Ser648Cys; replaces serine 648 with cysteine.
Molecular consequence: missense variant. On other transcripts: non-coding transcript variant (5), intron variant (2).
Genome position (GRCh38, 1-based): chr2:47,799,925, A>T. VCF-style: chr2-47799925-A-T. GRCh37 (hg19) VCF-style: chr2-48027064-A-T.
Other names: c.1552A>T, p.Ser518Cys (NM_001281492.2); c.1036A>T, p.Ser346Cys (NM_001281493.2, NM_001281494.2, NM_001406811.1 and 6 more transcripts); c.2038A>T, p.Ser680Cys (NM_001406795.1, NM_001406802.1); c.1942A>T, p.Ser648Cys (NM_001406796.1, NM_001406798.1, NM_001406800.1 and 3 more transcripts); c.1645A>T, p.Ser549Cys (NM_001406797.1, NM_001406801.1, NM_001406805.1 and 10 more transcripts); c.1417A>T, p.Ser473Cys (NM_001406799.1, NM_001406806.1, NM_001406807.1); c.1864A>T, p.Ser622Cys (NM_001406804.1); c.1948A>T, p.Ser650Cys (NM_001406813.1); and 3 more; short protein forms S346C, S473C, S518C, S549C, S592C, S622C, S648C, S650C.
Identifiers: ClinVar variation 4800206 (VCV004800206.1).
Genomic context (GRCh38, chr2:47,799,925, plus strand): 5'-TGGGATGCATCCAAAACTTTGAGAACTCTCCTTGAGGAAGAATATTTTAGGGAAAAGCTA[A>T]GTGATGGCATTGGGGTGATGTTACCCCAGGTGCTTAAAGGTATGACTTCAGAGTCTGATT-3'
Protein context (NP_000170.1, residues 638-658): LEEEYFREKL[Ser648Cys]DGIGVMLPQV

ClinVar aggregate classification (germline): Uncertain significance (1 of 4 stars; one submission).

Conditions:
Hereditary nonpolyposis colorectal neoplasms. Identifiers: MedGen C0009405, MeSH D003123.

Submission:

Labcorp Genetics (formerly Invitae), Labcorp
Classification: Uncertain significance for Hereditary nonpolyposis colorectal neoplasms. Last evaluated: 2025-11-25. Review status: criteria provided, single submitter. Criteria: Invitae Variant Classification Sherloc (09022015). Collection method: clinical testing. Allele origin: germline.
Comment: This sequence change replaces serine, which is neutral and polar, with cysteine, which is neutral and slightly polar, at codon 648 of the MSH6 protein (p.Ser648Cys). This variant is not present in population databases (gnomAD no frequency). This variant has not been reported in the literature in individuals affected with MSH6-related conditions. Invitae Evidence Modeling of protein sequence and biophysical properties (such as structural, functional, and spatial information, amino acid conservation, physicochemical variation, residue mobility, and thermodynamic stability) indicates that this missense variant is not expected to disrupt MSH6 protein function with a negative predictive value of 95%. In summary, the available evidence is currently insufficient to determine the role of this variant in disease. Therefore, it has been classified as a Variant of Uncertain Significance.